The following is an entry in ClinVar:

ClinVar aggregate classification (germline): Uncertain significance. Review status: criteria provided, multiple submitters, no conflicts (2 of 4 stars). 2 submissions from 2 submitters: Uncertain significance (2). Last evaluated 2025-08-21.

Conditions:
Inborn genetic diseases. Identifiers: MedGen C0950123, MeSH D030342.

gnomAD v4.1: 9 of 1,613,856 alleles (0.00056%); highest among the groups gnomAD compares: Admixed American, 0.015%; no homozygotes.

Submissions (2):

Ambry Genetics
Classification: Uncertain significance for Inborn genetic diseases. Last evaluated: 2025-08-21. Review status: criteria provided, single submitter. Criteria: Ambry Variant Classification Scheme 2023. Collection method: clinical testing. Allele origin: germline.

Labcorp Genetics (formerly Invitae), Labcorp
Classification: Uncertain significance. Last evaluated: 2024-07-24. Review status: criteria provided, single submitter. Criteria: Invitae Variant Classification Sherloc (09022015). Collection method: clinical testing. Allele origin: germline.
Comment: This sequence change replaces cysteine, which is neutral and slightly polar, with arginine, which is basic and polar, at codon 1582 of the RP1 protein (p.Cys1582Arg). This variant is present in population databases (rs751863419, gnomAD 0.01%). This variant has not been reported in the literature in individuals affected with RP1-related conditions. An algorithm developed to predict the effect of missense changes on protein structure and function (PolyPhen-2) suggests that this variant is likely to be tolerated. In summary, the available evidence is currently insufficient to determine the role of this variant in disease. Therefore, it has been classified as a Variant of Uncertain Significance.

NM_006269.2(RP1):c.4744T>C (p.Cys1582Arg)

Gene: RP1 (RP1 axonemal microtubule associated; plus strand). Cytogenetic location: 8q12.1.
Variant type: single nucleotide variant.
Coding change: c.4744T>C on transcript NM_006269.2 (MANE Select); coding-DNA position 4744, T replaced by C.
Protein change: p.Cys1582Arg; replaces cysteine 1582 with arginine.
Molecular consequence: missense variant. On other transcripts: intron variant (1).
Genome position (GRCh38, 1-based): chr8:54,628,626, T>C. VCF-style: chr8-54628626-T-C. GRCh37 (hg19) VCF-style: chr8-55541186-T-C.
Other names: c.4744T>C (NM_006269.1); c.787+6338T>C (NM_001375654.1); short protein forms C1582R.
Identifiers: ClinVar variation 3616717 (VCV003616717.3).